The following is an entry in ClinVar:

NM_145290.4(ADGRA3):c.3415G>A (p.Asp1139Asn)

Gene: ADGRA3 (adhesion G protein-coupled receptor A3; minus strand). Cytogenetic location: 4p15.2.
Variant type: single nucleotide variant.
Coding change: c.3415G>A on transcript NM_145290.4 (MANE Select); coding-DNA position 3415, G replaced by A.
Protein change: p.Asp1139Asn; replaces aspartic acid 1139 with asparagine.
Molecular consequence: missense variant.
Genome position (GRCh38, 1-based): chr4:22,388,256, C>T on the plus strand (G>A on the coding strand, the complement: ADGRA3 is on the minus strand). VCF-style: chr4-22388256-C-T. GRCh37 (hg19) VCF-style: chr4-22389879-C-T.
Other names: short protein forms D1139N.
Identifiers: ClinVar variation 1940822 (VCV001940822.5), dbSNP rs1190107172, ClinGen allele CA356472543.
Genomic context (GRCh38, chr4:22,388,256, plus strand): 5'-CTAAAGGCGCCACGTGCATTTTAATATCATTGTCCATTGAATGTTCTGTCAGACTATTAT[C>T]AAGCTGAGGGGTGGAGTTCAAAGGTAAAGAATTGGCATGGCACTGAGCTGCAGCCGCCTG-3'
Protein context (NP_660333.2, residues 1129-1149): SLPLNSTPQL[Asp1139Asn]NSLTEHSMDN

ClinVar aggregate classification (germline): Uncertain significance (1 of 4 stars; one submission).

Allele frequency attached by ClinVar (database versions not stated): gnomAD exomes below 0.00001; TOPMed below 0.00001.
gnomAD v4.1: 8 of 1,613,980 alleles (0.0005%); highest among the groups gnomAD compares: Non-Finnish European, 0.00051%; no homozygotes.

Submission:

Labcorp Genetics (formerly Invitae), Labcorp
Classification: Uncertain significance. Last evaluated: 2022-01-16. Review status: criteria provided, single submitter. Criteria: Invitae Variant Classification Sherloc (09022015). Collection method: clinical testing. Allele origin: germline.
Comment: Algorithms developed to predict the effect of missense changes on protein structure and function are either unavailable or do not agree on the potential impact of this missense change (SIFT: "Tolerated"; PolyPhen-2: "Possibly Damaging"; Align-GVGD: "Class C0"). In summary, the available evidence is currently insufficient to determine the role of this variant in disease. Therefore, it has been classified as a Variant of Uncertain Significance. This variant has not been reported in the literature in individuals affected with ADGRA3-related conditions. This variant is present in population databases (no rsID available, gnomAD 0.0009%). This sequence change replaces aspartic acid, which is acidic and polar, with asparagine, which is neutral and polar, at codon 1139 of the ADGRA3 protein (p.Asp1139Asn).